The following is an entry in ClinVar:

ClinVar aggregate classification (germline): Pathogenic/Likely pathogenic. Review status: criteria provided, multiple submitters, no conflicts (2 of 4 stars). 2 submissions from 2 submitters: Pathogenic (1); Likely pathogenic (1). Last evaluated 2023-11-17.

Conditions:
Mulibrey nanism syndrome. Also called: MUSCLE-LIVER-BRAIN-EYE NANISM; PERHEENTUPA SYNDROME; PERICARDIAL CONSTRICTION AND GROWTH FAILURE. Identifiers: Orphanet 2576, MedGen C0524582, MONDO:0009664, OMIM 253250.

Allele frequency attached by ClinVar (database versions not stated): gnomAD 0.00001.
gnomAD v4.1: 3 of 1,613,912 alleles (0.00019%); highest among the groups gnomAD compares: East Asian, 0.0022%; no homozygotes.

Submissions (2):

Labcorp Genetics (formerly Invitae), Labcorp
Classification: Pathogenic. Last evaluated: 2023-11-17. Review status: criteria provided, single submitter. Criteria: Invitae Variant Classification Sherloc (09022015). Collection method: clinical testing. Allele origin: germline.
Comment: This sequence change creates a premature translational stop signal (p.Arg765*) in the TRIM37 gene. It is expected to result in an absent or disrupted protein product. Loss-of-function variants in TRIM37 are known to be pathogenic (PMID: 10888877, 15108285). This variant is present in population databases (no rsID available, gnomAD 0.005%). This variant has not been reported in the literature in individuals affected with TRIM37-related conditions. For these reasons, this variant has been classified as Pathogenic.

Baylor Genetics
Classification: Likely pathogenic for Mulibrey nanism syndrome. Last evaluated: 2023-08-08. Review status: criteria provided, single submitter. Criteria: ACMG Guidelines, 2015. Collection method: clinical testing. Allele origin: unknown.

Literature cited by the submitters: PubMed 10888877 (cited by Labcorp Genetics (formerly Invitae), Labcorp); PubMed 15108285 (cited by Labcorp Genetics (formerly Invitae), Labcorp).

NM_015294.6(TRIM37):c.2293C>T (p.Arg765Ter)

Gene: TRIM37 (tripartite motif containing 37; minus strand). Cytogenetic location: 17q22.
Variant type: single nucleotide variant.
Coding change: c.2293C>T on transcript NM_015294.6 (MANE Select); coding-DNA position 2293, C replaced by T.
Protein change: p.Arg765Ter; replaces arginine 765 with a stop codon.
Molecular consequence: nonsense. On other transcripts: non-coding transcript variant (2).
Genome position (GRCh38, 1-based): chr17:59,017,389, G>A on the plus strand (C>T on the coding strand, the complement: TRIM37 is on the minus strand). VCF-style: chr17-59017389-G-A. GRCh37 (hg19) VCF-style: chr17-57094750-G-A.
Other names: c.2293C>T, p.Arg765Ter (NM_001005207.5, NM_001320988.3, NM_001320989.3 and 1 more transcripts); c.2191C>T, p.Arg731Ter (NM_001320987.3, NM_001353082.2); c.1927C>T, p.Arg643Ter (NM_001320990.3); c.1558C>T, p.Arg520Ter (NM_001353083.2); c.1831C>T, p.Arg611Ter (NM_001353085.2); c.2242C>T, p.Arg748Ter (NM_001353086.2); short protein forms R520*, R611*, R643*, R731*, R748*, R765*.
Identifiers: ClinVar variation 2679247 (VCV002679247.4), dbSNP rs1285351867, ClinGen allele CA400391180.